The following is an entry in ClinVar:

NM_014324.6(AMACR):c.240C>G (p.Phe80Leu)

Genes: AMACR (alpha-methylacyl-CoA racemase; minus strand), C1QTNF3-AMACR (C1QTNF3-AMACR readthrough (NMD candidate); minus strand). Cytogenetic location: 5p13.2.
Variant type: single nucleotide variant.
Coding change: c.240C>G on transcript NM_014324.6 (MANE Select); coding-DNA position 240, C replaced by G.
Protein change: p.Phe80Leu; replaces phenylalanine 80 with leucine.
Molecular consequence: missense variant.
Genome position (GRCh38, 1-based): chr5:34,007,780, G>C on the plus strand (C>G on the coding strand, the complement: AMACR is on the minus strand). VCF-style: chr5-34007780-G-C. GRCh37 (hg19) VCF-style: chr5-34007885-G-C.
Other names: c.240C>G, p.Phe80Leu (NM_001167595.2, NM_203382.3); short protein forms F80L.
Identifiers: ClinVar variation 1356567 (VCV001356567.7), dbSNP rs1044437141, ClinGen allele CA116872590.

ClinVar aggregate classification (germline): Uncertain significance (1 of 4 stars; one submission).

Conditions:
Alpha-methylacyl-CoA racemase deficiency (AMACRD). Also called: AMACR deficiency. Identifiers: Orphanet 79095, MedGen C3280428, MONDO:0013681, OMIM 614307. Disease mechanism: loss of function.

Allele frequency attached by ClinVar (database versions not stated): gnomAD exomes 0.00001; gnomAD 0.00002; TOPMed 0.00002.
gnomAD v4.1: 4 of 1,558,076 alleles (0.00026%); highest among the groups gnomAD compares: African/African-American, 0.0054%; no homozygotes.

Submission:

Labcorp Genetics (formerly Invitae), Labcorp
Classification: Uncertain significance for Alpha-methylacyl-CoA racemase deficiency. Last evaluated: 2024-10-26. Review status: criteria provided, single submitter. Criteria: Invitae Variant Classification Sherloc (09022015). Collection method: clinical testing. Allele origin: germline.
Comment: This sequence change replaces phenylalanine, which is neutral and non-polar, with leucine, which is neutral and non-polar, at codon 80 of the AMACR protein (p.Phe80Leu). This variant is present in population databases (no rsID available, gnomAD 0.01%). This variant has not been reported in the literature in individuals affected with AMACR-related conditions. ClinVar contains an entry for this variant (Variation ID: 1356567). Invitae Evidence Modeling of protein sequence and biophysical properties (such as structural, functional, and spatial information, amino acid conservation, physicochemical variation, residue mobility, and thermodynamic stability) indicates that this missense variant is not expected to disrupt AMACR protein function with a negative predictive value of 80%. In summary, the available evidence is currently insufficient to determine the role of this variant in disease. Therefore, it has been classified as a Variant of Uncertain Significance.